The following is an entry in ClinVar:

ClinVar aggregate classification (germline): Uncertain significance (1 of 4 stars; one submission).

Conditions:
Atypical hemolytic-uremic syndrome. Identifiers: Orphanet 2134, MedGen C2931788, MONDO:0016244.

Submission:

Genomenon, Inc
Classification: Uncertain significance for Atypical hemolytic-uremic syndrome. Last evaluated: 2025-10-02. Review status: criteria provided, single submitter. Criteria: Genomenon Sequence Variant Interpretation Standards. Collection method: curation. Allele origin: germline. Affected: no.
Comment: CD46 p.Gly196Ala (c.587G>C) is a missense variant that changes the amino acid at residue 196 from Glycine to Alanine. This variant has been reported in the published literature (PMID:10960475). It is absent or not present at a significant frequency in gnomAD. In silico models agree that this variant is not damaging. In conclusion, we classify CD46 p.Gly196Ala (c.587G>C) as a variant of uncertain significance.

Literature cited by the submitters: PubMed 10960475.

NM_172351.3(CD46):c.587G>C (p.Gly196Ala)

Gene: CD46 (CD46 molecule; plus strand). Cytogenetic location: 1q32.2.
Variant type: single nucleotide variant.
Coding change: c.587G>C on transcript NM_172351.3 (MANE Select); coding-DNA position 587, G replaced by C.
Protein change: p.Gly196Ala; replaces glycine 196 with alanine.
Molecular consequence: missense variant.
Genome position (GRCh38, 1-based): chr1:207,761,360, G>C. VCF-style: chr1-207761360-G-C. GRCh37 (hg19) VCF-style: chr1-207934705-G-C.
Other names: c.587G>C, p.Gly196Ala (NM_002389.4, NM_153826.4, NM_172350.3 and 8 more transcripts); short protein forms G196A.
Identifiers: ClinVar variation 4291159 (VCV004291159.1).